The following is an entry in ClinVar:

NM_002495.4(NDUFS4):c.77C>T (p.Ser26Phe)

Genes: NDUFS4 (NADH:ubiquinone oxidoreductase subunit S4; plus strand), LOC129993885 (ATAC-STARR-seq lymphoblastoid active region 22547; plus strand). Cytogenetic location: 5q11.2.
Variant type: single nucleotide variant.
Coding change: c.77C>T on transcript NM_002495.4 (MANE Select); coding-DNA position 77, C replaced by T.
Protein change: p.Ser26Phe; replaces serine 26 with phenylalanine.
Molecular consequence: missense variant. On other transcripts: non-coding transcript variant (3).
Genome position (GRCh38, 1-based): chr5:53,560,739, C>T. VCF-style: chr5-53560739-C-T. GRCh37 (hg19) VCF-style: chr5-52856569-C-T.
Other names: c.77C>T, p.Ser26Phe (NM_001318051.2); short protein forms S26F.
Identifiers: ClinVar variation 906327 (VCV000906327.6), dbSNP rs201430870, ClinGen allele CA3264146.

ClinVar aggregate classification (germline): Uncertain significance. Review status: criteria provided, multiple submitters, no conflicts (2 of 4 stars). 4 submissions from 3 submitters: Uncertain significance (4). Last evaluated 2024-10-06.

Conditions:
Leigh syndrome (NULS). Also called: Leigh Disease; Subacute necrotizing encephalopathy; Leigh Syndrome (mtDNA deletion); Leigh's syndrome; Leigh's necrotizing encephalopathy; Leigh's disease. Identifiers: Orphanet 506, MedGen C2931891, MONDO:0009723, OMIM 256000.
Mitochondrial complex I deficiency, nuclear type 1. Also called: NADH-COENZYME Q REDUCTASE DEFICIENCY; MITOCHONDRIAL NADH DEHYDROGENASE COMPONENT OF COMPLEX I, DEFICIENCY OF. Identifiers: MedGen C6022305, MONDO:0100224, OMIM 252010.
Inborn genetic diseases. Identifiers: MedGen C0950123, MeSH D030342.

Allele frequency attached by ClinVar (database versions not stated): ExAC 0.00002; gnomAD 0.00003; gnomAD exomes 0.00004 and 0.00009; TOPMed 0.00004.
gnomAD v4.1: 146 of 1,614,096 alleles (0.009%); highest among the groups gnomAD compares: Non-Finnish European, 0.011%; no homozygotes.

Submissions (4):

Ambry Genetics
Classification: Uncertain significance for Inborn genetic diseases. Last evaluated: 2024-10-06. Review status: criteria provided, single submitter. Criteria: Ambry Variant Classification Scheme 2023. Collection method: clinical testing. Allele origin: germline.

Labcorp Genetics (formerly Invitae), Labcorp
Classification: Uncertain significance. Last evaluated: 2022-09-07. Review status: criteria provided, single submitter. Criteria: Invitae Variant Classification Sherloc (09022015). Collection method: clinical testing. Allele origin: germline.
Comment: This sequence change replaces serine, which is neutral and polar, with phenylalanine, which is neutral and non-polar, at codon 26 of the NDUFS4 protein (p.Ser26Phe). This variant is present in population databases (rs201430870, gnomAD 0.008%). This variant has not been reported in the literature in individuals affected with NDUFS4-related conditions. ClinVar contains an entry for this variant (Variation ID: 906327). Algorithms developed to predict the effect of missense changes on protein structure and function are either unavailable or do not agree on the potential impact of this missense change (SIFT: "Not Available"; PolyPhen-2: "Benign"; Align-GVGD: "Not Available"). In summary, the available evidence is currently insufficient to determine the role of this variant in disease. Therefore, it has been classified as a Variant of Uncertain Significance.

Illumina Laboratory Services, Illumina
Classification: Uncertain significance for Leigh syndrome. Last evaluated: 2018-01-13. Review status: criteria provided, single submitter. Criteria: ICSL Variant Classification Criteria 13 December 2019. Collection method: clinical testing. Allele origin: germline.

Illumina Laboratory Services, Illumina
Classification: Uncertain significance for Mitochondrial complex I deficiency, nuclear type 1. Last evaluated: 2018-01-13. Review status: criteria provided, single submitter. Criteria: ICSL Variant Classification Criteria 13 December 2019. Collection method: clinical testing. Allele origin: germline.